The following is an entry in ClinVar:

ClinVar aggregate classification (germline): Uncertain significance (1 of 4 stars; one submission).

Conditions:
Baller-Gerold syndrome (BGS). Also called: CRANIOSYNOSTOSIS WITH RADIAL DEFECTS. Identifiers: Orphanet 1225, MedGen C0265308, MONDO:0009039, OMIM 218600.

Submission:

Labcorp Genetics (formerly Invitae), Labcorp
Classification: Uncertain significance for Baller-Gerold syndrome. Last evaluated: 2022-09-07. Review status: criteria provided, single submitter. Criteria: Invitae Variant Classification Sherloc (09022015). Collection method: clinical testing. Allele origin: germline.
Comment: In summary, the available evidence is currently insufficient to determine the role of this variant in disease. Therefore, it has been classified as a Variant of Uncertain Significance. Variants that disrupt the consensus splice site are a relatively common cause of aberrant splicing (PMID: 17576681, 9536098). Algorithms developed to predict the effect of sequence changes on RNA splicing suggest that this variant may disrupt the consensus splice site. ClinVar contains an entry for this variant (Variation ID: 1511982). This variant has not been reported in the literature in individuals affected with RECQL4-related conditions. This variant is not present in population databases (gnomAD no frequency). This sequence change falls in intron 5 of the RECQL4 gene. It does not directly change the encoded amino acid sequence of the RECQL4 protein. It affects a nucleotide within the consensus splice site.

Literature cited by the submitters: PubMed 17576681; PubMed 9536098.

NM_004260.4(RECQL4):c.1131+3A>T

Gene: RECQL4 (RecQ like helicase 4; minus strand). Cytogenetic location: 8q24.3.
Variant type: single nucleotide variant.
Coding change: c.1131+3A>T on transcript NM_004260.4 (MANE Select); 3 bases into the intron after coding-DNA position 1131, A replaced by T.
Molecular consequence: intron variant.
Genome position (GRCh38, 1-based): chr8:144,515,985, T>A on the plus strand (A>T on the coding strand, the complement: RECQL4 is on the minus strand). VCF-style: chr8-144515985-T-A. GRCh37 (hg19) VCF-style: chr8-145741369-T-A.
Identifiers: ClinVar variation 1511982 (VCV001511982.6), dbSNP rs1218791786, ClinGen allele CA2573142936.